The following is an entry in ClinVar:

ClinVar aggregate classification (germline): Benign (1 of 4 stars; one submission).

Conditions:
Retinoblastoma (RB1). Also called: RETINOBLASTOMA, SOMATIC. Identifiers: Orphanet 790, MedGen C0035335, MeSH D012175, MONDO:0008380, OMIM 180200, HP:0009919. Disease mechanism: loss of function. Inheritance: Both sporadic and heritable forms are tested..

Allele frequency attached by ClinVar (database versions not stated): gnomAD exomes 0.00218; gnomAD 0.01002 and 0.01082; TOPMed 0.01147; 1000 Genomes Project 0.01038.
gnomAD v4.1: 1,683 of 228,470 alleles (0.74%); highest among the groups gnomAD compares: African/African-American, 3.5%; 37 homozygotes.

Submission:

Illumina Laboratory Services, Illumina
Classification: Benign for Retinoblastoma. Last evaluated: 2018-01-13. Review status: criteria provided, single submitter. Criteria: ICSL Variant Classification Criteria 13 December 2019. Collection method: clinical testing. Allele origin: germline.
Comment: This variant was observed in the ICSL laboratory as part of a predisposition screen in an ostensibly healthy population. It had not been previously curated by ICSL or reported in the Human Gene Mutation Database (HGMD: prior to June 1st, 2018), and was therefore a candidate for classification through an automated scoring system. Utilizing variant allele frequency, disease prevalence and penetrance estimates, and inheritance mode, an automated score was calculated to assess if this variant is too frequent to cause the disease. Based on the score and internal cut-off values, a variant classified as benign is not then subjected to further curation. The score for this variant resulted in a classification of benign for this disease.

NM_000321.3(RB1):c.*463T>A

Gene: RB1 (RB transcriptional corepressor 1; plus strand). Cytogenetic location: 13q14.2.
Variant type: single nucleotide variant.
Coding change: c.*463T>A on transcript NM_000321.3 (MANE Select); 463 bases downstream of the stop codon, T replaced by A.
Molecular consequence: 3 prime UTR variant.
Genome position (GRCh38, 1-based): chr13:48,480,534, T>A. VCF-style: chr13-48480534-T-A. GRCh37 (hg19) VCF-style: chr13-49054670-T-A.
Identifiers: ClinVar variation 312305 (VCV000312305.5), dbSNP rs4151631, ClinGen allele CA10639641.
Genomic context (GRCh38, chr13:48,480,534, plus strand): 5'-TTTTTTTAATTTAACATGAACACCCTTAGAAAATGTGTCCTATCTATCTTCCAAATGCAA[T>A]TTGATTGACTGCCCATTCACCAAAATTATCCTGAACTCTTCTGCAAAAATGGATATTATT-3'